The following is an entry in ClinVar:

ClinVar aggregate classification (germline): Uncertain significance (1 of 4 stars; one submission).

Conditions:
Hypertrophic cardiomyopathy 20. Identifiers: MedGen C3151267, MONDO:0013477, OMIM 613876.
Dilated cardiomyopathy 1CC (CMD1CC). Identifiers: Orphanet 154, MedGen C2751084, MONDO:0013147, OMIM 613122.

Allele frequency attached by ClinVar (database versions not stated): ExAC 0.00001; gnomAD 0.00001; TOPMed 0.00001; ESP Exome Variant Server 0.00008.
gnomAD v4.1: 4 of 1,613,772 alleles (0.00025%); highest among the groups gnomAD compares: African/African-American, 0.0013%; no homozygotes.

Submission:

Labcorp Genetics (formerly Invitae), Labcorp
Classification: Uncertain significance for Dilated cardiomyopathy 1CC; Hypertrophic cardiomyopathy 20. Last evaluated: 2022-07-30. Review status: criteria provided, single submitter. Criteria: Invitae Variant Classification Sherloc (09022015). Collection method: clinical testing. Allele origin: germline.
Comment: This variant is present in population databases (rs374820740, gnomAD 0.007%). In summary, the available evidence is currently insufficient to determine the role of this variant in disease. Therefore, it has been classified as a Variant of Uncertain Significance. Variants that disrupt the consensus splice site are a relatively common cause of aberrant splicing (PMID: 17576681, 9536098). Algorithms developed to predict the effect of sequence changes on RNA splicing suggest that this variant is not likely to affect RNA splicing. This variant has not been reported in the literature in individuals affected with NEXN-related conditions. This sequence change falls in intron 7 of the NEXN gene. It does not directly change the encoded amino acid sequence of the NEXN protein. It affects a nucleotide within the consensus splice site.

Literature cited by the submitters: PubMed 17576681; PubMed 9536098.

NM_144573.4(NEXN):c.687+6T>A

Gene: NEXN (nexilin F-actin binding protein; plus strand). Cytogenetic location: 1p31.1.
Variant type: single nucleotide variant.
Coding change: c.687+6T>A on transcript NM_144573.4 (MANE Select); 6 bases into the intron after coding-DNA position 687, T replaced by A.
Molecular consequence: intron variant.
Genome position (GRCh38, 1-based): chr1:77,926,617, T>A. VCF-style: chr1-77926617-T-A. GRCh37 (hg19) VCF-style: chr1-78392302-T-A.
Other names: c.495+6T>A (NM_001172309.2).
Identifiers: ClinVar variation 1982870 (VCV001982870.4), dbSNP rs374820740, ClinGen allele CA918704.